The following is an entry in ClinVar:

ClinVar aggregate classification (germline): Uncertain significance (1 of 4 stars; one submission).

Allele frequency attached by ClinVar (database versions not stated): gnomAD exomes 0.00002; TOPMed 0.00002; gnomAD 0.00003.
gnomAD v4.1: 38 of 1,613,956 alleles (0.0024%); highest among the groups gnomAD compares: South Asian, 0.019%; no homozygotes.

Submission:

Labcorp Genetics (formerly Invitae), Labcorp
Classification: Uncertain significance. Last evaluated: 2022-05-29. Review status: criteria provided, single submitter. Criteria: Invitae Variant Classification Sherloc (09022015). Collection method: clinical testing. Allele origin: germline.
Comment: This sequence change replaces arginine, which is basic and polar, with glutamine, which is neutral and polar, at codon 2795 of the DMXL2 protein (p.Arg2795Gln). This variant is present in population databases (rs769856719, gnomAD 0.02%). This variant has not been reported in the literature in individuals affected with DMXL2-related conditions. Algorithms developed to predict the effect of missense changes on protein structure and function are either unavailable or do not agree on the potential impact of this missense change (SIFT: "Tolerated"; PolyPhen-2: "Probably Damaging"; Align-GVGD: "Class C0"). In summary, the available evidence is currently insufficient to determine the role of this variant in disease. Therefore, it has been classified as a Variant of Uncertain Significance.

NM_001378457.1(DMXL2):c.8447G>A (p.Arg2816Gln)

Gene: DMXL2 (Dmx like 2; minus strand). Cytogenetic location: 15q21.2.
Variant type: single nucleotide variant.
Coding change: c.8447G>A on transcript NM_001378457.1 (MANE Select); coding-DNA position 8447, G replaced by A.
Protein change: p.Arg2816Gln; replaces arginine 2816 with glutamine.
Molecular consequence: missense variant. On other transcripts: non-coding transcript variant (2).
Genome position (GRCh38, 1-based): chr15:51,456,145, C>T on the plus strand (G>A on the coding strand, the complement: DMXL2 is on the minus strand). VCF-style: chr15-51456145-C-T. GRCh37 (hg19) VCF-style: chr15-51748342-C-T.
Other names: c.8384G>A, p.Arg2795Gln (NM_001174116.3); c.6473G>A, p.Arg2158Gln (NM_001174117.3); c.8444G>A, p.Arg2815Gln (NM_001378458.1); c.8159G>A, p.Arg2720Gln (NM_001378459.1); c.6362G>A, p.Arg2121Gln (NM_001378460.1); c.8381G>A, p.Arg2794Gln (NM_015263.5); short protein forms R2720Q, R2795Q, R2158Q, R2794Q, R2815Q, R2121Q, R2816Q.
Identifiers: ClinVar variation 1900323 (VCV001900323.2), dbSNP rs769856719, ClinGen allele CA7561017.